The following is an entry in ClinVar:

NM_133433.4(NIPBL):c.2584A>G (p.Lys862Glu)

Gene: NIPBL (NIPBL cohesin loading factor; plus strand). Cytogenetic location: 5p13.2.
Variant type: single nucleotide variant.
Coding change: c.2584A>G on transcript NM_133433.4 (MANE Select); coding-DNA position 2584, A replaced by G.
Protein change: p.Lys862Glu; replaces lysine 862 with glutamic acid.
Molecular consequence: missense variant.
Genome position (GRCh38, 1-based): chr5:36,985,764, A>G. VCF-style: chr5-36985764-A-G. GRCh37 (hg19) VCF-style: chr5-36985866-A-G.
Other names: c.2584A>G, p.Lys862Glu (NM_015384.5); short protein forms K862E.
Identifiers: ClinVar variation 450053 (VCV000450053.9), dbSNP rs1554017428, ClinGen allele CA359502819.

ClinVar aggregate classification (germline): Conflicting classifications of pathogenicity. Review status: criteria provided, conflicting classifications (1 of 4 stars). 5 submissions from 5 submitters: Uncertain significance (4); Likely benign (1). Last evaluated 2025-06-01.

Conditions:
Cornelia de Lange syndrome 1 (CDLS1). Also called: Brachmann de Lange syndrome; TYPUS DEGENERATIVUS AMSTELODAMENSIS; NIPBL-Related Cornelia de Lange Syndrome. Identifiers: Orphanet 199, MedGen C4551851, MONDO:0007387, OMIM 122470.
Inborn genetic diseases. Identifiers: MedGen C0950123, MeSH D030342.

Allele frequency attached by ClinVar (database versions not stated): gnomAD exomes below 0.00001.
gnomAD v4.1: 1 of 1,613,866 alleles (0.000062%); highest among the groups gnomAD compares: Non-Finnish European, 0.000085%; no homozygotes.

Submissions (5):

GeNE CliniK, Regional Hospital Limbe
Classification: Likely benign for Cornelia de Lange syndrome 1. Last evaluated: 2025-06-01. Review status: criteria provided, single submitter. Criteria: ACMG Guidelines, 2015. Collection method: research. Allele origin: maternal. Inheritance: Autosomal dominant inheritance. Affected: no.
Comment: The NM_133433.4 (NIPBL) c.2584A>G (p.Lys862Glu) is a heterozygous missense variant resulting in the substitution of lysine with glutamic acid at codon 862. This variant is extremely rare in the general population (gnomAD exome MAF: 6.84 × 10⁻⁷; gnomAD genome MAF: 0.00). Currently classified as likely benign based on ACMG/AMP criteria (BP4). Evidence: Observed at extremely low frequency in population databases. In silico predictive tools suggest no strong deleterious effect. Clinical significance is uncertain but leans toward benign given maternal inheritance and lack of strong pathogenic evidence.

Ambry Genetics
Classification: Uncertain significance for Inborn genetic diseases. Last evaluated: 2025-05-04. Review status: criteria provided, single submitter. Criteria: Ambry Variant Classification Scheme 2023. Collection method: clinical testing. Allele origin: germline.

Genome-Nilou Lab
Classification: Uncertain significance for Cornelia de Lange syndrome 1. Last evaluated: 2021-07-15. Review status: criteria provided, single submitter. Criteria: ACMG Guidelines, 2015. Collection method: clinical testing. Allele origin: germline. Affected: no.

GeneDx
Classification: Uncertain significance. Last evaluated: 2019-09-12. Review status: criteria provided, single submitter. Criteria: GeneDx Variant Classification Process June 2021. Collection method: clinical testing. Allele origin: germline. Affected: yes.
Comment: Not observed in large population cohorts (Lek et al., 2016); In silico analysis, which includes protein predictors and evolutionary conservation, supports that this variant does not alter protein structure/function; Has not been previously published as pathogenic or benign to our knowledge

Geisinger Autism and Developmental Medicine Institute, Geisinger Health System
Classification: Uncertain significance for Cornelia de Lange syndrome 1. Last evaluated: 2017-08-28. Review status: criteria provided, single submitter. Criteria: ACMG Guidelines, 2015. Collection method: provider interpretation, clinical testing. Allele origin: unknown. Observed: 1 variant allele.
Comment: Inheritance is unknown as a paternal sample was unavailable. The variant is absent from population databases. It is a non-conservative substitution at a conserved position; in silico analysis is inconsistent in its predictions. Additionally, exome sequencing identified a pathogenic variant in PAFAH1B1.

Literature cited by the submitters: PubMed 15146186 (cited by Geisinger Autism and Developmental Medicine Institute, Geisinger Health System); PubMed 15146185 (cited by Geisinger Autism and Developmental Medicine Institute, Geisinger Health System).